The following is an entry in ClinVar:

NM_000702.4(ATP1A2):c.2568G>A (p.Met856Ile)

Gene: ATP1A2 (ATPase Na+/K+ transporting subunit alpha 2; plus strand). Cytogenetic location: 1q23.2.
Variant type: single nucleotide variant.
Coding change: c.2568G>A on transcript NM_000702.4 (MANE Select); coding-DNA position 2568, G replaced by A.
Protein change: p.Met856Ile; replaces methionine 856 with isoleucine.
Molecular consequence: missense variant.
Genome position (GRCh38, 1-based): chr1:160,136,574, G>A. VCF-style: chr1-160136574-G-A. GRCh37 (hg19) VCF-style: chr1-160106364-G-A.
Other names: short protein forms M856I.
Identifiers: ClinVar variation 1218024 (VCV001218024.3), dbSNP rs2101996120, ClinGen allele CA343251795.
Genomic context (GRCh38, chr1:160,136,574, plus strand): 5'-TGCCCCTTCTGCTTCCTGCTCTGACCCTGCCCCTGCCTTTGGCCCTCTACCCACAGGGAT[G>A]ATCCAGGCACTGGGTGGCTTCTTCACCTACTTTGTGATCCTGGCAGAGAACGGTTTCCTG-3'
Protein context (NP_000693.1, residues 846-866): LISMAYGQIG[Met856Ile]IQALGGFFTY

ClinVar aggregate classification (germline): Uncertain significance (1 of 4 stars; one submission).

Submission:

GeneDx
Classification: Uncertain significance. Last evaluated: 2020-01-16. Review status: criteria provided, single submitter. Criteria: GeneDx Variant Classification Process June 2021. Collection method: clinical testing. Allele origin: germline. Affected: yes.
Comment: Not observed in large population cohorts (Lek et al., 2016); In silico analysis, which includes protein predictors and evolutionary conservation, supports that this variant does not alter protein structure/function; Has not been previously published as pathogenic or benign to our knowledge; Missense variants in nearby residues reported in the Human Gene Mutation Database (Stenson et al., 2014)